The following is an entry in ClinVar:

NM_001278116.2(L1CAM):c.124C>T (p.Pro42Ser)

Gene: L1CAM (L1 cell adhesion molecule; minus strand). Cytogenetic location: Xq28.
Variant type: single nucleotide variant.
Coding change: c.124C>T on transcript NM_001278116.2 (MANE Select); coding-DNA position 124, C replaced by T.
Protein change: p.Pro42Ser; replaces proline 42 with serine.
Molecular consequence: missense variant.
Genome position (GRCh38, 1-based): chrX:153,872,665, G>A on the plus strand (C>T on the coding strand, the complement: L1CAM is on the minus strand). VCF-style: chrX-153872665-G-A. GRCh37 (hg19) VCF-style: chrX-153138120-G-A.
Other names: c.124C>T, p.Pro42Ser (NM_000425.5, NM_024003.3); c.109C>T, p.Pro37Ser (NM_001143963.2); short protein forms P37S, P42S.
Identifiers: ClinVar variation 2684258 (VCV002684258.1), dbSNP rs2064782707, ClinGen allele CA415140435.

ClinVar aggregate classification (germline): Uncertain significance (1 of 4 stars; one submission).

Submission:

Athena Diagnostics
Classification: Uncertain significance. Last evaluated: 2022-09-30. Review status: criteria provided, single submitter. Criteria: Athena Diagnostics Criteria. Collection method: clinical testing. Allele origin: unknown.
Comment: Available data are insufficient to determine the clinical significance of the variant at this time. This variant has not been reported in large, multi-ethnic general populations. Computational tools disagree on the variant's effect on normal protein function.